The following is an entry in ClinVar:

ClinVar aggregate classification (germline): Uncertain significance (1 of 4 stars; one submission).

Allele frequency attached by ClinVar (database versions not stated): gnomAD 0.00001; ExAC 0.00002; TOPMed 0.00002; gnomAD exomes 0.00003; ESP Exome Variant Server 0.00008.
gnomAD v4.1: 42 of 1,614,078 alleles (0.0026%); highest among the groups gnomAD compares: African/African-American, 0.0067%; no homozygotes.

Submission:

Labcorp Genetics (formerly Invitae), Labcorp
Classification: Uncertain significance. Last evaluated: 2023-10-06. Review status: criteria provided, single submitter. Criteria: Invitae Variant Classification Sherloc (09022015). Collection method: clinical testing. Allele origin: germline.
Comment: This sequence change replaces glycine, which is neutral and non-polar, with serine, which is neutral and polar, at codon 741 of the JAK1 protein (p.Gly741Ser). This variant is present in population databases (rs369498502, gnomAD 0.02%). This variant has not been reported in the literature in individuals affected with JAK1-related conditions. ClinVar contains an entry for this variant (Variation ID: 1955302). Advanced modeling of protein sequence and biophysical properties (such as structural, functional, and spatial information, amino acid conservation, physicochemical variation, residue mobility, and thermodynamic stability) has been performed at Invitae for this missense variant, however the output from this modeling did not meet the statistical confidence thresholds required to predict the impact of this variant on JAK1 protein function. In summary, the available evidence is currently insufficient to determine the role of this variant in disease. Therefore, it has been classified as a Variant of Uncertain Significance.

NM_002227.4(JAK1):c.2221G>A (p.Gly741Ser)

Gene: JAK1 (Janus kinase 1; minus strand). Cytogenetic location: 1p31.3.
Variant type: single nucleotide variant.
Coding change: c.2221G>A on transcript NM_002227.4 (MANE Select); coding-DNA position 2221, G replaced by A.
Protein change: p.Gly741Ser; replaces glycine 741 with serine.
Molecular consequence: missense variant.
Genome position (GRCh38, 1-based): chr1:64,844,784, C>T on the plus strand (G>A on the coding strand, the complement: JAK1 is on the minus strand). VCF-style: chr1-64844784-C-T. GRCh37 (hg19) VCF-style: chr1-65310467-C-T.
Other names: c.2221G>A, p.Gly741Ser (NM_001321853.2, NM_001321854.2, NM_001321855.2 and 3 more transcripts); c.2218G>A, p.Gly740Ser (NM_001321857.2); short protein forms G740S, G741S.
Identifiers: ClinVar variation 1955302 (VCV001955302.5), dbSNP rs369498502, ClinGen allele CA892722.
Genomic context (GRCh38, chr1:64,844,784, plus strand): 5'-GGGGCCAGAGGGAAGAGAGGGGAGACACACCTTGCCTAGACAGCACCGTAATGGGGATGC[C>T]GGGGTCACTGAGCTTGATGAATGGGCCACACTCACTGTCGATGCCCTCACGGGCCAGGAG-3'
Protein context (NP_002218.2, residues 731-751): CGPFIKLSDP[Gly741Ser]IPITVLSRQE